The following is an entry in ClinVar:

ClinVar aggregate classification (germline): Uncertain significance (1 of 4 stars; one submission).

Conditions:
Hereditary cancer-predisposing syndrome. Also called: Tumor predisposition; Hereditary Cancer Syndrome; Hereditary neoplastic syndrome; Neoplastic Syndromes, Hereditary. Identifiers: Orphanet 140162, MedGen C0027672, MeSH D009386, MONDO:0015356.

Submission:

Ambry Genetics
Classification: Uncertain significance for Hereditary cancer-predisposing syndrome. Last evaluated: 2016-08-09. Review status: criteria provided, single submitter. Criteria: Ambry Variant Classification Scheme 2023. Collection method: clinical testing. Allele origin: germline.
Comment: The p.C607R variant (also known as c.1819T>C), located in coding exon 14 of the APC gene, results from a T to C substitution at nucleotide position 1819. The cysteine at codon 607 is replaced by arginine, an amino acid with highly dissimilar properties. This variant was not reported in population based cohorts in the following databases: Database of Single Nucleotide Polymorphisms (dbSNP), NHLBI Exome Sequencing Project (ESP), and 1000 Genomes Project. In the ESP, this variant was not observed in 6502 samples (13004 alleles) with coverage at this position. To date, this alteration has been detected with an allele frequency of approximately 0.001% (greater than 90000 alleles tested) in our clinical cohort. This amino acid position is highly conserved in available vertebrate species. In addition, in silico predictors for this gene do not accurately predict pathogenicity. Since supporting evidence is limited at this time, the clinical significance of this alteration remains unclear.

NM_000038.6(APC):c.1819T>C (p.Cys607Arg)

Gene: APC (APC regulator of Wnt signaling pathway; plus strand). Cytogenetic location: 5q22.2.
Variant type: single nucleotide variant.
Coding change: c.1819T>C on transcript NM_000038.6 (MANE Select); coding-DNA position 1819, T replaced by C.
Protein change: p.Cys607Arg; replaces cysteine 607 with arginine.
Molecular consequence: missense variant.
Genome position (GRCh38, 1-based): chr5:112,835,026, T>C. VCF-style: chr5-112835026-T-C. GRCh37 (hg19) VCF-style: chr5-112170723-T-C.
Other names: c.1819T>C, p.Cys607Arg (NM_001127510.3, NM_001354895.2); c.1765T>C, p.Cys589Arg (NM_001127511.3); c.1873T>C, p.Cys625Arg (NM_001354896.2); c.1849T>C, p.Cys617Arg (NM_001354897.2); c.1744T>C, p.Cys582Arg (NM_001354898.2); c.1735T>C, p.Cys579Arg (NM_001354899.2); c.1696T>C, p.Cys566Arg (NM_001354900.2); c.1642T>C, p.Cys548Arg (NM_001354901.2); and 5 more; short protein forms C589R, C607R, C548R, C579R, C324R, C481R, C566R, C582R.
Identifiers: ClinVar variation 486758 (VCV000486758.5), dbSNP rs1554083147, ClinGen allele CA16025302.